The following is an entry in ClinVar:

ClinVar aggregate classification (germline): Benign/Likely benign. Review status: criteria provided, multiple submitters, no conflicts (2 of 4 stars). 3 submissions from 3 submitters: Benign (2); Likely benign (1). Last evaluated 2026-01-30.

Conditions:
Inflammatory skin and bowel disease, neonatal, 1. Identifiers: Orphanet 294023, MedGen C3280501, MONDO:0013693, OMIM 614328.

Submissions (3):

Women's Health and Genetics/Laboratory Corporation of America, LabCorp
Classification: Benign. Last evaluated: 2026-01-30. Review status: criteria provided, single submitter. Criteria: LabCorp Variant Classification Summary - May 2015. Collection method: clinical testing. Allele origin: germline.
Comment: Variant summary: ADAM17 c.2083-9delT alters a nucleotide located at a position not widely known to affect splicing. Several computational tools predict a significant impact on normal splicing: Four predict the variant has no significant impact on splicing. However, these predictions have yet to be confirmed by functional studies. The variant allele was found at a frequency of 0.00027 in 250738 control chromosomes, predominantly at a frequency of 0.0035 within the East Asian subpopulation in the gnomAD database. The observed variant frequency within East Asian control individuals in the gnomAD database exceeds the estimated maximal expected allele frequency for disease-causing variants in ADAM17. To our knowledge, no occurrence of c.2083-9delT in individuals affected with ADAM17-related conditions and no experimental evidence demonstrating its impact on protein function have been reported. ClinVar contains an entry for this variant (Variation ID: 734546). Based on the evidence outlined above, the variant was classified as benign.

Labcorp Genetics (formerly Invitae), Labcorp
Classification: Benign for Inflammatory skin and bowel disease, neonatal, 1. Last evaluated: 2025-12-23. Review status: criteria provided, single submitter. Criteria: Invitae Variant Classification Sherloc (09022015). Collection method: clinical testing. Allele origin: germline.

Mayo Clinic Laboratories, Mayo Clinic
Classification: Likely benign. Last evaluated: 2025-11-05. Review status: criteria provided, single submitter. Criteria: ACMG Guidelines, 2015. Collection method: clinical testing. Allele origin: germline. Observed: 1 variant allele.
Comment: BS1, BP4, BP7

NM_003183.6(ADAM17):c.2083-9del

Genes: ADAM17 (ADAM metallopeptidase domain 17; minus strand), IAH1 (isoamyl acetate hydrolyzing esterase 1 (putative); plus strand). Cytogenetic location: 2p25.1.
Variant type: Deletion.
Coding change: c.2083-9del on transcript NM_003183.6 (MANE Select); 9 bases into the intron before coding-DNA position 2083, one base deleted (T; older notation c.2083-9delT).
Molecular consequence: intron variant.
Genome position (GRCh38, 1-based): chr2:9,491,160, A deleted on the plus strand (T on the coding strand, the reverse complement: ADAM17 is on the minus strand); the first of 3 consecutive A bases (chr2:9,491,160-9,491,162); deleting any one gives the same sequence. VCF-style (leftmost placement, unchanged base first): chr2-9491159-GA-G. GRCh37 (hg19) VCF-style: chr2-9631288-GA-G.
Other names: p.?; c.2083-9delT (NM_003183.6); c.2083-9del (NM_003183.5).
Identifiers: ClinVar variation 734546 (VCV000734546.12), dbSNP rs372459687, ClinGen allele CA1523317.